The following is an entry in ClinVar:

NM_001098.3(ACO2):c.422G>A (p.Arg141His)

Gene: ACO2 (aconitase 2; plus strand). Cytogenetic location: 22q13.2.
Variant type: single nucleotide variant.
Coding change: c.422G>A on transcript NM_001098.3 (MANE Select); coding-DNA position 422, G replaced by A.
Protein change: p.Arg141His; replaces arginine 141 with histidine.
Molecular consequence: missense variant.
Genome position (GRCh38, 1-based): chr22:41,508,039, G>A. VCF-style: chr22-41508039-G-A. GRCh37 (hg19) VCF-style: chr22-41904043-G-A.
Other names: c.422G>A (NM_001098.2); short protein forms R141H.
Identifiers: ClinVar variation 1348654 (VCV001348654.10), dbSNP rs370417583, ClinGen allele CA10257344.

ClinVar aggregate classification (germline): Uncertain significance. Review status: criteria provided, multiple submitters, no conflicts (2 of 4 stars). 3 submissions from 3 submitters: Uncertain significance (3). Last evaluated 2025-08-29.

Conditions:
Inborn genetic diseases. Identifiers: MedGen C0950123, MeSH D030342.

Allele frequency attached by ClinVar (database versions not stated): gnomAD 0.00003; gnomAD exomes 0.00004 and 0.00007; TOPMed 0.00005; ExAC 0.00006; ESP Exome Variant Server 0.00008.

Submissions (3):

Labcorp Genetics (formerly Invitae), Labcorp
Classification: Uncertain significance. Last evaluated: 2025-08-29. Review status: criteria provided, single submitter. Criteria: Invitae Variant Classification Sherloc (09022015). Collection method: clinical testing. Allele origin: germline.
Comment: This sequence change replaces arginine, which is basic and polar, with histidine, which is basic and polar, at codon 141 of the ACO2 protein (p.Arg141His). This variant is present in population databases (rs370417583, gnomAD 0.009%). This variant has not been reported in the literature in individuals affected with ACO2-related conditions. ClinVar contains an entry for this variant (Variation ID: 1348654). Invitae Evidence Modeling of protein sequence and biophysical properties (such as structural, functional, and spatial information, amino acid conservation, physicochemical variation, residue mobility, and thermodynamic stability) indicates that this missense variant is not expected to disrupt ACO2 protein function with a negative predictive value of 80%. In summary, the available evidence is currently insufficient to determine the role of this variant in disease. Therefore, it has been classified as a Variant of Uncertain Significance.

Ambry Genetics
Classification: Uncertain significance for Inborn genetic diseases. Last evaluated: 2025-05-29. Review status: criteria provided, single submitter. Criteria: Ambry Variant Classification Scheme 2023. Collection method: clinical testing. Allele origin: germline.

Blueprint Genetics
Classification: Uncertain significance. Last evaluated: 2024-07-03. Review status: criteria provided, single submitter. Criteria: ACMG Guidelines, 2015. Collection method: clinical testing. Allele origin: germline.